The following is an entry in ClinVar:

NM_001851.6(COL9A1):c.2260-1G>A

Gene: COL9A1 (collagen type IX alpha 1 chain; minus strand). Cytogenetic location: 6q13.
Variant type: single nucleotide variant.
Coding change: c.2260-1G>A on transcript NM_001851.6 (MANE Select); the canonical splice acceptor site of the intron before coding-DNA position 2260, G replaced by A.
Molecular consequence: splice acceptor variant.
Genome position (GRCh38, 1-based): chr6:70,234,594, C>T on the plus strand (G>A on the coding strand, the complement: COL9A1 is on the minus strand). VCF-style: chr6-70234594-C-T. GRCh37 (hg19) VCF-style: chr6-70944297-C-T.
Other names: c.1384-1G>A (NM_001377290.1); c.1531-1G>A (NM_078485.4); c.1561-1G>A (NM_001377289.1).
Identifiers: ClinVar variation 1700764 (VCV001700764.2), dbSNP rs1322829123, ClinGen allele CA364672983.

ClinVar aggregate classification (germline): Likely pathogenic (1 of 4 stars; one submission).

Allele frequency attached by ClinVar (database versions not stated): TOPMed below 0.00001.

Submission:

GeneDx
Classification: Likely pathogenic. Last evaluated: 2022-08-09. Review status: criteria provided, single submitter. Criteria: GeneDx Variant Classification Process June 2021. Collection method: clinical testing. Allele origin: germline. Affected: yes.
Comment: Canonical splice site variant predicted to result in a null allele in a gene for which loss of function is a known mechanism of disease; Not observed in large population cohorts (gnomAD); Has not been previously published as pathogenic or benign to our knowledge